The following is an entry in ClinVar:

NM_000059.4(BRCA2):c.2790T>G (p.Tyr930Ter)

Gene: BRCA2 (BRCA2 DNA repair associated; plus strand). Cytogenetic location: 13q13.1.
Variant type: single nucleotide variant.
Coding change: c.2790T>G on transcript NM_000059.4 (MANE Select); coding-DNA position 2790, T replaced by G.
Protein change: p.Tyr930Ter; replaces tyrosine 930 with a stop codon.
Molecular consequence: nonsense.
Genome position (GRCh38, 1-based): chr13:32,337,145, T>G. VCF-style: chr13-32337145-T-G. GRCh37 (hg19) VCF-style: chr13-32911282-T-G.
Other names: c.2790T>G (NM_000059.3); short protein forms Y930*.
Identifiers: ClinVar variation 3226083 (VCV003226083.1), dbSNP rs2548524652, ClinGen allele CA387773725.
Genomic context (GRCh38, chr13:32,337,145, plus strand): 5'-TGAAACAGACTTGACTTGTGTAAACGAACCCATTTTCAAGAACTCTACCATGGTTTTATA[T>G]GGAGACACAGGTGATAAACAAGCAACCCAAGTGTCAATTAAAAAAGATTTGGTTTATGTT-3'

ClinVar aggregate classification (germline): Pathogenic (1 of 4 stars; one submission).

Conditions:
Hereditary cancer-predisposing syndrome. Also called: Neoplastic Syndromes, Hereditary; Tumor predisposition; Hereditary neoplastic syndrome; Hereditary Cancer Syndrome. Identifiers: Orphanet 140162, MedGen C0027672, MeSH D009386, MONDO:0015356.

Submission:

Ambry Genetics
Classification: Pathogenic for Hereditary cancer-predisposing syndrome. Last evaluated: 2024-01-03. Review status: criteria provided, single submitter. Criteria: Ambry Variant Classification Scheme 2023. Collection method: clinical testing. Allele origin: germline.
Comment: The p.Y930* pathogenic mutation (also known as c.2790T>G), located in coding exon 10 of the BRCA2 gene, results from a T to G substitution at nucleotide position 2790. This changes the amino acid from a tyrosine to a stop codon within coding exon 10. This variant has been reported in an individual with esophageal squamous cell carcinoma (Ko JM et al. Int J Cancer, 2020 Feb;146:1042-1051). This variant is considered to be rare based on population cohorts in the Genome Aggregation Database (gnomAD). In addition to the clinical data presented in the literature, this alteration is expected to result in loss of function by premature protein truncation or nonsense-mediated mRNA decay. As such, this alteration is interpreted as a disease-causing mutation.

Literature cited by the submitters: PubMed 31396961.